The following is an entry in ClinVar:

NM_032888.4(COL27A1):c.3195+1G>A

Gene: COL27A1 (collagen type XXVII alpha 1 chain; plus strand). Cytogenetic location: 9q32.
Variant type: single nucleotide variant.
Coding change: c.3195+1G>A on transcript NM_032888.4 (MANE Select); the canonical splice donor site of the intron after coding-DNA position 3195, G replaced by A.
Molecular consequence: splice donor variant.
Genome position (GRCh38, 1-based): chr9:114,258,595, G>A. VCF-style: chr9-114258595-G-A. GRCh37 (hg19) VCF-style: chr9-117020875-G-A.
Identifiers: ClinVar variation 2035776 (VCV002035776.4), dbSNP rs2491340979, ClinGen allele CA374595135.
Genomic context (GRCh38, chr9:114,258,595, plus strand): 5'-TCCCAGGGTCCTCCAGGATCTCGAGGCCCACCAGGCATGAGGGGAGCAAAGGGACGTCGG[G>A]TAAGTCGAGCCCAGCTCCTGGGGGCTGATGCTGGTGGGAGGGGGCACACTTGGAACAGGG-3'

ClinVar aggregate classification (germline): Pathogenic (1 of 4 stars; one submission).

Submission:

Labcorp Genetics (formerly Invitae), Labcorp
Classification: Pathogenic. Last evaluated: 2022-12-17. Review status: criteria provided, single submitter. Criteria: Invitae Variant Classification Sherloc (09022015). Collection method: clinical testing. Allele origin: germline.
Comment: Algorithms developed to predict the effect of sequence changes on RNA splicing suggest that this variant may disrupt the consensus splice site. For these reasons, this variant has been classified as Pathogenic. Disruption of this splice site has been observed in individual(s) with clinical features of Steel syndrome (Invitae). In at least one individual the data is consistent with being in trans (on the opposite chromosome) from a pathogenic variant. This sequence change affects a donor splice site in intron 28 of the COL27A1 gene. It is expected to disrupt RNA splicing. Variants that disrupt the donor or acceptor splice site typically lead to a loss of protein function (PMID: 16199547), and loss-of-function variants in COL27A1 are known to be pathogenic (PMID: 24986830, 28276056). This variant is not present in population databases (gnomAD no frequency).

Literature cited by the submitters: PubMed 16199547; PubMed 24986830; PubMed 28276056.